The following is an entry in ClinVar:

ClinVar aggregate classification (germline): Uncertain significance (1 of 4 stars; one submission).

Allele frequency attached by ClinVar (database versions not stated): ExAC 0.00001.

Submission:

Ambry Genetics
Classification: Uncertain significance. Last evaluated: 2023-01-21. Review status: criteria provided, single submitter. Criteria: Ambry Variant Classification Scheme 2023. Collection method: clinical testing. Allele origin: germline.
Comment: The p.P37S variant (also known as c.109C>T), located in coding exon 1 of the TERF2IP gene, results from a C to T substitution at nucleotide position 109. The proline at codon 37 is replaced by serine, an amino acid with similar properties. This amino acid position is conserved. In addition, this alteration is predicted to be tolerated by in silico analysis. Since supporting evidence is limited at this time, the clinical significance of this alteration remains unclear.

NM_018975.4(TERF2IP):c.109C>T (p.Pro37Ser)

Gene: TERF2IP (TERF2 interacting protein; plus strand). Cytogenetic location: 16q23.1.
Variant type: single nucleotide variant.
Coding change: c.109C>T on transcript NM_018975.4 (MANE Select); coding-DNA position 109, C replaced by T.
Protein change: p.Pro37Ser; replaces proline 37 with serine.
Molecular consequence: missense variant. On other transcripts: non-coding transcript variant (1).
Genome position (GRCh38, 1-based): chr16:75,647,991, C>T. VCF-style: chr16-75647991-C-T. GRCh37 (hg19) VCF-style: chr16-75681889-C-T.
Other names: short protein forms P37S.
Identifiers: ClinVar variation 2447564 (VCV002447564.2), dbSNP rs759593742, ClinGen allele CA8177935.
Genomic context (GRCh38, chr16:75,647,991, plus strand): 5'-TCCTCGACTCTGTTCGTGAGGGACGACGGCAGCTCCATGTCCTTCTACGTGCGGCCCAGC[C>T]CGGCCAAGCGTCGGCTGTCGACGCTCATCCTGCACGGCGGCGGCACCGTGTGCCGAGTGC-3'
Protein context (NP_061848.2, residues 27-47): SSMSFYVRPS[Pro37Ser]AKRRLSTLIL